The following is an entry in ClinVar:

NM_000747.3(CHRNB1):c.137G>A (p.Arg46Gln)

Gene: CHRNB1 (cholinergic receptor nicotinic beta 1 subunit; plus strand). Cytogenetic location: 17p13.1.
Variant type: single nucleotide variant.
Coding change: c.137G>A on transcript NM_000747.3 (MANE Select); coding-DNA position 137, G replaced by A.
Protein change: p.Arg46Gln; replaces arginine 46 with glutamine.
Molecular consequence: missense variant.
Genome position (GRCh38, 1-based): chr17:7,445,348, G>A. VCF-style: chr17-7445348-G-A. GRCh37 (hg19) VCF-style: chr17-7348667-G-A.
Other names: short protein forms R46Q.
Identifiers: ClinVar variation 2757083 (VCV002757083.3), dbSNP rs779654919, ClinGen allele CA8347642.

ClinVar aggregate classification (germline): Uncertain significance (1 of 4 stars; one submission).

Conditions:
Congenital myasthenic syndrome 2A. Also called: Myasthenic syndrome, congenital, 2a, slow-channel. Identifiers: Orphanet 590, MedGen C4225374, MONDO:0014581, OMIM 616313.

Allele frequency attached by ClinVar (database versions not stated): gnomAD 0.00001; gnomAD exomes 0.00001; ExAC 0.00004.

Submission:

Labcorp Genetics (formerly Invitae), Labcorp
Classification: Uncertain significance for Congenital myasthenic syndrome 2A. Last evaluated: 2024-01-14. Review status: criteria provided, single submitter. Criteria: Invitae Variant Classification Sherloc (09022015). Collection method: clinical testing. Allele origin: germline.
Comment: This sequence change replaces arginine, which is basic and polar, with glutamine, which is neutral and polar, at codon 46 of the CHRNB1 protein (p.Arg46Gln). This variant is present in population databases (rs779654919, gnomAD 0.003%). This variant has not been reported in the literature in individuals affected with CHRNB1-related conditions. Advanced modeling of protein sequence and biophysical properties (such as structural, functional, and spatial information, amino acid conservation, physicochemical variation, residue mobility, and thermodynamic stability) performed at Invitae indicates that this missense variant is not expected to disrupt CHRNB1 protein function with a negative predictive value of 80%. In summary, the available evidence is currently insufficient to determine the role of this variant in disease. Therefore, it has been classified as a Variant of Uncertain Significance.